The following is an entry in ClinVar:

NM_020458.4(TTC7A):c.2214G>A (p.Ala738=)

Gene: TTC7A (tetratricopeptide repeat domain 7A; plus strand). Cytogenetic location: 2p21.
Variant type: single nucleotide variant.
Coding change: c.2214G>A on transcript NM_020458.4 (MANE Select); coding-DNA position 2214, G replaced by A.
Protein change: p.Ala738=; no amino-acid change (alanine 738 retained).
Molecular consequence: synonymous variant.
Genome position (GRCh38, 1-based): chr2:47,060,830, G>A. VCF-style: chr2-47060830-G-A. GRCh37 (hg19) VCF-style: chr2-47287969-G-A.
Other names: c.2214G>A, p.Ala738= (LRG_1323t1); c.2286G>A, p.Ala762= (NM_001288951.2); c.2112G>A, p.Ala704= (NM_001288953.2); c.1152G>A, p.Ala384= (NM_001288955.2).
Identifiers: ClinVar variation 458796 (VCV000458796.15), dbSNP rs369839639, ClinGen allele CA1648068.

ClinVar aggregate classification (germline): Likely benign. Review status: criteria provided, multiple submitters, no conflicts (2 of 4 stars). 3 submissions from 3 submitters: Likely benign (2). 1 of the submissions does not count toward it. Last evaluated 2026-01-05.

Conditions:
TTC7A-related disorder. Also called: TTC7A-related condition.
Multiple gastrointestinal atresias. Also called: Multiple intestinal atresia; FAMILIAL INTESTINAL POLYATRESIA SYNDROME. Identifiers: Orphanet 2300, MedGen C0220744, MONDO:0009465.

Allele frequency attached by ClinVar (database versions not stated): gnomAD 0.00003 and 0.00004; gnomAD exomes 0.00005 and 0.00021; ESP Exome Variant Server 0.00008; TOPMed 0.00013; ExAC 0.00023.
gnomAD v4.1: 82 of 1,613,708 alleles (0.0051%); highest among the groups gnomAD compares: Admixed American, 0.1%; 2 homozygotes.

Submissions (3):

Labcorp Genetics (formerly Invitae), Labcorp
Classification: Likely benign for Multiple gastrointestinal atresias. Last evaluated: 2026-01-05. Review status: criteria provided, single submitter. Criteria: Invitae Variant Classification Sherloc (09022015). Collection method: clinical testing. Allele origin: germline.

Blueprint Genetics
Classification: Likely benign. Last evaluated: 2024-07-02. Review status: criteria provided, single submitter. Criteria: ACMG Guidelines, 2015. Collection method: clinical testing. Allele origin: germline.

PreventionGenetics, part of Exact Sciences
Classification: Likely benign for TTC7A-related condition. Last evaluated: 2019-04-01. Review status: no assertion criteria provided. Collection method: clinical testing. Allele origin: germline. Not counted in ClinVar's aggregate classification.
Comment: This variant is classified as likely benign based on ACMG/AMP sequence variant interpretation guidelines (Richards et al. 2015 PMID: 25741868, with internal and published modifications).